The following is an entry in ClinVar:

ClinVar aggregate classification (germline): Uncertain significance (1 of 4 stars; one submission).

Conditions:
Deficiency of aromatic-L-amino-acid decarboxylase. Also called: AADC DEFICIENCY; DDC DEFICIENCY; DOPA DECARBOXYLASE DEFICIENCY; Aromatic amino acid decarboxylase deficiency; Aromatic L-Amino Acid Decarboxylase Deficiency. Identifiers: Orphanet 35708, MedGen C1291564, MONDO:0012084, OMIM 608643.

Allele frequency attached by ClinVar (database versions not stated): gnomAD exomes below 0.00001; TOPMed below 0.00001.
gnomAD v4.1: 3 of 1,614,148 alleles (0.00019%); highest among the groups gnomAD compares: East Asian, 0.0022%; no homozygotes.

Submission:

Labcorp Genetics (formerly Invitae), Labcorp
Classification: Uncertain significance for Deficiency of aromatic-L-amino-acid decarboxylase. Last evaluated: 2022-02-10. Review status: criteria provided, single submitter. Criteria: Invitae Variant Classification Sherloc (09022015). Collection method: clinical testing. Allele origin: germline.
Comment: This sequence change replaces alanine, which is neutral and non-polar, with valine, which is neutral and non-polar, at codon 422 of the DDC protein (p.Ala422Val). This variant is not present in population databases (gnomAD no frequency). This variant has not been reported in the literature in individuals affected with DDC-related conditions. Algorithms developed to predict the effect of missense changes on protein structure and function (SIFT, PolyPhen-2, Align-GVGD) all suggest that this variant is likely to be tolerated. In summary, the available evidence is currently insufficient to determine the role of this variant in disease. Therefore, it has been classified as a Variant of Uncertain Significance.

NM_001082971.2(DDC):c.1265C>T (p.Ala422Val)

Gene: DDC (dopa decarboxylase; minus strand). Cytogenetic location: 7p12.2.
Variant type: single nucleotide variant.
Coding change: c.1265C>T on transcript NM_001082971.2 (MANE Select); coding-DNA position 1265, C replaced by T.
Protein change: p.Ala422Val; replaces alanine 422 with valine.
Molecular consequence: missense variant.
Genome position (GRCh38, 1-based): chr7:50,463,409, G>A on the plus strand (C>T on the coding strand, the complement: DDC is on the minus strand). VCF-style: chr7-50463409-G-A. GRCh37 (hg19) VCF-style: chr7-50531107-G-A.
Other names: c.1265C>T, p.Ala422Val (NM_000790.4); c.1151C>T, p.Ala384Val (NM_001242886.2); c.1121C>T, p.Ala374Val (NM_001242887.2); c.1031C>T, p.Ala344Val (NM_001242888.2); c.986C>T, p.Ala329Val (NM_001242889.2); short protein forms A384V, A344V, A329V, A374V, A422V.
Identifiers: ClinVar variation 1520019 (VCV001520019.5), dbSNP rs984449557, ClinGen allele CA158221659.